The following is an entry in ClinVar:

NM_001128840.3(CACNA1D):c.6174G>A (p.Ala2058=)

Gene: CACNA1D (calcium voltage-gated channel subunit alpha1 D; plus strand). Cytogenetic location: 3p21.1.
Variant type: single nucleotide variant.
Coding change: c.6174G>A on transcript NM_001128840.3 (MANE Select); coding-DNA position 6174, G replaced by A.
Protein change: p.Ala2058=; no amino-acid change (alanine 2058 retained).
Molecular consequence: synonymous variant.
Genome position (GRCh38, 1-based): chr3:53,810,280, G>A. VCF-style: chr3-53810280-G-A. GRCh37 (hg19) VCF-style: chr3-53844307-G-A.
Other names: c.6234G>A, p.Ala2078= (NM_000720.4); c.6102G>A, p.Ala2034= (NM_001128839.3); c.6234G>A (NM_000720.3).
Identifiers: ClinVar variation 2153983 (VCV002153983.6), dbSNP rs781755322, ClinGen allele CA2455377.

ClinVar aggregate classification (germline): Likely benign. Review status: criteria provided, multiple submitters, no conflicts (2 of 4 stars). 3 submissions from 3 submitters: Likely benign (3). Last evaluated 2026-07-28.

Conditions:
CACNA1D-related disorder.

Allele frequency attached by ClinVar (database versions not stated): gnomAD 0.00004; TOPMed 0.00004; ExAC 0.00008.
gnomAD v4.1: 107 of 1,613,530 alleles (0.0066%); highest among the groups gnomAD compares: Non-Finnish European, 0.0084%; no homozygotes.

Submissions (3):

PreventionGenetics, part of Exact Sciences
Classification: Likely benign for CACNA1D-related condition. Last evaluated: 2026-07-28. Review status: criteria provided, single submitter. Criteria: ACMG Guidelines, 2015. Collection method: clinical testing. Allele origin: germline.
Comment: This variant is classified as likely benign based on ACMG/AMP sequence variant interpretation guidelines (Richards et al. 2015 PMID: 25741868, with internal and published modifications).

Labcorp Genetics (formerly Invitae), Labcorp
Classification: Likely benign. Last evaluated: 2025-12-17. Review status: criteria provided, single submitter. Criteria: Invitae Variant Classification Sherloc (09022015). Collection method: clinical testing. Allele origin: germline.

Blueprint Genetics
Classification: Likely benign. Last evaluated: 2024-10-25. Review status: criteria provided, single submitter. Criteria: ACMG Guidelines, 2015. Collection method: clinical testing. Allele origin: germline.